The following is an entry in ClinVar:

NM_004304.5(ALK):c.2355+6T>G

Gene: ALK (ALK receptor tyrosine kinase; minus strand). Cytogenetic location: 2p23.2.
Variant type: single nucleotide variant.
Coding change: c.2355+6T>G on transcript NM_004304.5 (MANE Select); 6 bases into the intron after coding-DNA position 2355, T replaced by G.
Molecular consequence: intron variant.
Genome position (GRCh38, 1-based): chr2:29,239,674, A>C on the plus strand (T>G on the coding strand, the complement: ALK is on the minus strand). VCF-style: chr2-29239674-A-C. GRCh37 (hg19) VCF-style: chr2-29462540-A-C.
Identifiers: ClinVar variation 2070931 (VCV002070931.4), dbSNP rs538087576, ClinGen allele CA44642894.
Genomic context (GRCh38, chr2:29,239,674, plus strand): 5'-GCCTCCAAGAGGCCTTCCCGGGGCCTGACAGAGTGCAGACGAGAAACCCCTGCTCTGGGC[A>C]CTTACACTGGGGCAGGCGTCCTCTCCCTGCTGCCCAACCAGGATGTACAGCATGTCATCC-3'

ClinVar aggregate classification (germline): Uncertain significance (1 of 4 stars; one submission).

Conditions:
Neuroblastoma, susceptibility to, 3. Also called: ALK-Related Neuroblastic Tumor Susceptibility. Identifiers: Orphanet 635, MedGen C2751681, MONDO:0013083, OMIM 613014.

Allele frequency attached by ClinVar (database versions not stated): gnomAD exomes below 0.00001; gnomAD 0.00001; 1000 Genomes Project 30x 0.00016; 1000 Genomes Project 0.00020.
gnomAD v4.1: 2 of 1,613,694 alleles (0.00012%); highest among the groups gnomAD compares: Admixed American, 0.0033%; no homozygotes.

Submission:

Labcorp Genetics (formerly Invitae), Labcorp
Classification: Uncertain significance for Neuroblastoma, susceptibility to, 3. Last evaluated: 2024-10-27. Review status: criteria provided, single submitter. Criteria: Invitae Variant Classification Sherloc (09022015). Collection method: clinical testing. Allele origin: germline.
Comment: This sequence change falls in intron 13 of the ALK gene. It does not directly change the encoded amino acid sequence of the ALK protein. It affects a nucleotide within the consensus splice site. This variant is not present in population databases (gnomAD no frequency). This variant has not been reported in the literature in individuals affected with ALK-related conditions. ClinVar contains an entry for this variant (Variation ID: 2070931). Variants that disrupt the consensus splice site are a relatively common cause of aberrant splicing (PMID: 17576681, 9536098). Algorithms developed to predict the effect of sequence changes on RNA splicing suggest that this variant may disrupt the consensus splice site. In summary, the available evidence is currently insufficient to determine the role of this variant in disease. Therefore, it has been classified as a Variant of Uncertain Significance.

Literature cited by the submitters: PubMed 17576681; PubMed 9536098.